The following is an entry in ClinVar:

NM_000493.4(COL10A1):c.*157A>G

Genes: COL10A1 (collagen type X alpha 1 chain; minus strand), NT5DC1 (5'-nucleotidase domain containing 1; plus strand). Cytogenetic location: 6q22.1.
Variant type: single nucleotide variant.
Coding change: c.*157A>G on transcript NM_000493.4 (MANE Select); 157 bases downstream of the stop codon, A replaced by G.
Molecular consequence: 3 prime UTR variant. On other transcripts: intron variant (1).
Genome position (GRCh38, 1-based): chr6:116,119,916, T>C on the plus strand (A>G on the coding strand, the complement: COL10A1 is on the minus strand). VCF-style: chr6-116119916-T-C. GRCh37 (hg19) VCF-style: chr6-116441079-T-C.
Other names: c.*157A>G (NM_001424106.1, NM_001424107.1); c.529+1971T>C (NM_152729.3).
Identifiers: ClinVar variation 355087 (VCV000355087.5), dbSNP rs117424376, ClinGen allele CA10622820.

ClinVar aggregate classification (germline): Benign (1 of 4 stars; one submission).

Conditions:
Metaphyseal chondrodysplasia, Schmid type (MCDS). Also called: SPONDYLOMETAPHYSEAL DYSPLASIA, JAPANESE TYPE. Identifiers: Orphanet 174, MedGen C0265289, MONDO:0007983, OMIM 156500.

Allele frequency attached by ClinVar (database versions not stated): gnomAD 0.00045 and 0.00074; TOPMed 0.00085; gnomAD exomes 0.00190; 1000 Genomes Project 30x 0.00375; 1000 Genomes Project 0.00439.
gnomAD v4.1: 1,164 of 723,130 alleles (0.16%); highest among the groups gnomAD compares: East Asian, 2.8%; 15 homozygotes.

Submission:

Illumina Laboratory Services, Illumina
Classification: Benign for Metaphyseal chondrodysplasia, Schmid type. Last evaluated: 2018-01-12. Review status: criteria provided, single submitter. Criteria: ICSL Variant Classification Criteria 13 December 2019. Collection method: clinical testing. Allele origin: germline.
Comment: This variant was observed in the ICSL laboratory as part of a predisposition screen in an ostensibly healthy population. It had not been previously curated by ICSL or reported in the Human Gene Mutation Database (HGMD: prior to June 1st, 2018), and was therefore a candidate for classification through an automated scoring system. Utilizing variant allele frequency, disease prevalence and penetrance estimates, and inheritance mode, an automated score was calculated to assess if this variant is too frequent to cause the disease. Based on the score and internal cut-off values, a variant classified as benign is not then subjected to further curation. The score for this variant resulted in a classification of benign for this disease.